The following is an entry in ClinVar:

ClinVar aggregate classification (germline): Conflicting classifications of pathogenicity. Review status: criteria provided, conflicting classifications (1 of 4 stars). 2 submissions from 2 submitters: Likely pathogenic (1); Uncertain significance (1). Last evaluated 2025-01-06.

Conditions:
Bardet-Biedl syndrome 2 (BBS2). Identifiers: Orphanet 110, MedGen C2936863, MONDO:0014432, OMIM 615981.
Retinitis pigmentosa 74 (RP74). Identifiers: Orphanet 791, MedGen C4225281, MONDO:0014692, OMIM 616562.
BBS2-related disorder. Also called: BBS2-related disorders; BBS2-related condition. Identifiers: MedGen CN239228.

gnomAD v4.1: 4 of 1,614,062 alleles (0.00025%); highest among the groups gnomAD compares: Non-Finnish European, 0.00034%; no homozygotes.

Submissions (2):

PreventionGenetics, part of Exact Sciences
Classification: Uncertain significance for BBS2-related condition. Last evaluated: 2025-01-06. Review status: criteria provided, single submitter. Criteria: ACMG Guidelines, 2015. Collection method: clinical testing. Allele origin: germline.
Comment: The BBS2 c.416G>A variant is predicted to result in the amino acid substitution p.Gly139Asp. This variant was reported in the compound heterozygous state in an individual with obesity, global developmental delay, enlarged kidneys, renal cysts, and abnormal electroretinogram (Table S4, Fitzgerald et al. 2015. PubMed ID: 25533962). This variant has not been reported in a large population database (gnomAD), indicating this variant is rare. At this time, the clinical significance of this variant is uncertain due to the absence of conclusive functional and genetic evidence.

Fulgent Genetics
Classification: Likely pathogenic for Bardet-Biedl syndrome 2; Retinitis pigmentosa 74. Last evaluated: 2024-05-06. Review status: criteria provided, single submitter. Criteria: ACMG Guidelines, 2015. Collection method: clinical testing. Allele origin: germline.

NM_031885.5(BBS2):c.416G>A (p.Gly139Asp)

Gene: BBS2 (Bardet-Biedl syndrome 2; minus strand). Cytogenetic location: 16q13.
Variant type: single nucleotide variant.
Coding change: c.416G>A on transcript NM_031885.5 (MANE Select); coding-DNA position 416, G replaced by A.
Protein change: p.Gly139Asp; replaces glycine 139 with aspartic acid.
Molecular consequence: missense variant. On other transcripts: non-coding transcript variant (5).
Genome position (GRCh38, 1-based): chr16:56,511,214, C>T on the plus strand (G>A on the coding strand, the complement: BBS2 is on the minus strand). VCF-style: chr16-56511214-C-T. GRCh37 (hg19) VCF-style: chr16-56545126-C-T.
Other names: c.416G>A, p.Gly139Asp (NM_001377456.1); c.416G>A (NM_031885.3); short protein forms G139D.
Identifiers: ClinVar variation 3580926 (VCV003580926.2).
Genomic context (GRCh38, chr16:56,511,214, plus strand): 5'-CATACCGTCCAAAAGAGATCACTTCCTTCATGATTGAAACCTTGCAGAGCACAATTGCCA[C>T]CAATAATCGCAAGAGGGGAAGAAATGTCTCCCAATGTCCCCAGCACAATTGCATTTGCCC-3'
Protein context (NP_114091.4, residues 129-149): GDISSPLAII[Gly139Asp]GNCALQGFNH